The following is an entry in ClinVar:

ClinVar aggregate classification (germline): Benign/Likely benign. Review status: criteria provided, multiple submitters, no conflicts (2 of 4 stars). 3 submissions from 3 submitters: Benign (1); Likely benign (2). Last evaluated 2024-11-26.

Conditions:
Severe early-childhood-onset retinal dystrophy (STGD1). Also called: Stargardt macular dystrophy; Juvenile onset macular degeneration; Stargardt disease 1; STGD; MACULAR DYSTROPHY WITH FLECKS, TYPE 1. Identifiers: Orphanet 364055, Orphanet 827, MedGen C1855465, MeSH D000080362, MONDO:0009549, OMIM 248200.

Allele frequency attached by ClinVar (database versions not stated): 1000 Genomes Project 30x 0.01405; 1000 Genomes Project 0.01278; TOPMed 0.01226.
gnomAD v4.1: 2,024 of 413,286 alleles (0.49%); highest among the groups gnomAD compares: African/African-American, 3.8%; 35 homozygotes.

Submissions (3):

Blueprint Genetics
Classification: Benign. Last evaluated: 2024-11-26. Review status: criteria provided, single submitter. Criteria: ACMG Guidelines, 2015. Collection method: clinical testing. Allele origin: germline.

Mendelics
Classification: Likely benign for Severe early-childhood-onset retinal dystrophy. Last evaluated: 2019-05-28. Review status: criteria provided, single submitter. Criteria: Mendelics Assertion Criteria 2017. Collection method: clinical testing. Allele origin: unknown.

GeneDx
Classification: Likely benign. Last evaluated: 2017-08-23. Review status: criteria provided, single submitter. Criteria: GeneDx Variant Classification (06012015). Collection method: clinical testing. Allele origin: germline. Affected: yes.
Comment: This variant is considered likely benign or benign based on one or more of the following criteria: it is a conservative change, it occurs at a poorly conserved position in the protein, it is predicted to be benign by multiple in silico algorithms, and/or has population frequency not consistent with disease.

NM_000350.3(ABCA4):c.5196+1136C>A

Gene: ABCA4 (ATP binding cassette subfamily A member 4; minus strand). Cytogenetic location: 1p22.1.
Variant type: single nucleotide variant.
Coding change: c.5196+1136C>A on transcript NM_000350.3 (MANE Select); 1136 bases into the intron after coding-DNA position 5196, C replaced by A.
Molecular consequence: intron variant.
Genome position (GRCh38, 1-based): chr1:94,018,446, G>T on the plus strand (C>A on the coding strand, the complement: ABCA4 is on the minus strand). VCF-style: chr1-94018446-G-T. GRCh37 (hg19) VCF-style: chr1-94484002-G-T.
Identifiers: ClinVar variation 516809 (VCV000516809.4), dbSNP rs114147805, ClinGen allele CA26843516.